The following is an entry in ClinVar:

ClinVar aggregate classification (germline): Uncertain significance (1 of 4 stars; one submission).

gnomAD v4.1: 1 of 1,612,310 alleles (0.000062%); highest among the groups gnomAD compares: Admixed American, 0.0017%; no homozygotes.

Submission:

Labcorp Genetics (formerly Invitae), Labcorp
Classification: Uncertain significance. Last evaluated: 2025-04-21. Review status: criteria provided, single submitter. Criteria: Invitae Variant Classification Sherloc (09022015). Collection method: clinical testing. Allele origin: germline.
Comment: This sequence change replaces glutamine, which is neutral and polar, with lysine, which is basic and polar, at codon 1223 of the MPDZ protein (p.Gln1223Lys). This variant is present in population databases (no rsID available, gnomAD 0.003%). This variant has not been reported in the literature in individuals affected with MPDZ-related conditions. ClinVar contains an entry for this variant (Variation ID: 1007950). An algorithm developed to predict the effect of missense changes on protein structure and function (PolyPhen-2) suggests that this variant is likely to be disruptive. In summary, the available evidence is currently insufficient to determine the role of this variant in disease. Therefore, it has been classified as a Variant of Uncertain Significance.

NM_001378778.1(MPDZ):c.3667C>A (p.Gln1223Lys)

Gene: MPDZ (multiple PDZ domain crumbs cell polarity complex component; minus strand). Cytogenetic location: 9p23.
Variant type: single nucleotide variant.
Coding change: c.3667C>A on transcript NM_001378778.1 (MANE Select); coding-DNA position 3667, C replaced by A.
Protein change: p.Gln1223Lys; replaces glutamine 1223 with lysine.
Molecular consequence: missense variant. On other transcripts: intron variant (8).
Genome position (GRCh38, 1-based): chr9:13,147,622, G>T on the plus strand (C>A on the coding strand, the complement: MPDZ is on the minus strand). VCF-style: chr9-13147622-G-T. GRCh37 (hg19) VCF-style: chr9-13147621-G-T.
Other names: c.3667C>A, p.Gln1223Lys (NM_001261406.2, NM_001261407.2, NM_001330637.2 and 6 more transcripts); c.3630+2889C>A (NM_001375425.1, NM_001375420.1, NM_001375423.1 and 4 more transcripts); c.3432+2889C>A (NM_001375427.1); short protein forms Q1223K.
Identifiers: ClinVar variation 1007950 (VCV001007950.8), dbSNP rs1355442309, ClinGen allele CA372950518.